The following is an entry in ClinVar:

ClinVar aggregate classification (germline): Uncertain significance (1 of 4 stars; one submission).

Conditions:
Alacrima, achalasia, and impaired intellectual development syndrome. Also called: Alacrima, achalasia, and mental retardation syndrome; Alacrima, achalasia, and intellectual disability syndrome. Identifiers: Orphanet 869, MedGen C4706563, MONDO:0014219, OMIM 615510.

Allele frequency attached by ClinVar (database versions not stated): gnomAD 0.00004 and 0.00003; gnomAD exomes 0.00005 and 0.00004; TOPMed 0.00004; ExAC 0.00003.
gnomAD v4.1: 74 of 1,614,038 alleles (0.0046%); highest among the groups gnomAD compares: Non-Finnish European, 0.0059%; no homozygotes.

Submission:

Labcorp Genetics (formerly Invitae), Labcorp
Classification: Uncertain significance for Alacrima, achalasia, and impaired intellectual development syndrome. Last evaluated: 2025-06-14. Review status: criteria provided, single submitter. Criteria: Invitae Variant Classification Sherloc (09022015). Collection method: clinical testing. Allele origin: germline.
Comment: This sequence change replaces glycine, which is neutral and non-polar, with cysteine, which is neutral and slightly polar, at codon 94 of the GMPPA protein (p.Gly94Cys). This variant is present in population databases (rs753112469, gnomAD 0.006%). This variant has not been reported in the literature in individuals affected with GMPPA-related conditions. ClinVar contains an entry for this variant (Variation ID: 1488940). Invitae Evidence Modeling of protein sequence and biophysical properties (such as structural, functional, and spatial information, amino acid conservation, physicochemical variation, residue mobility, and thermodynamic stability) indicates that this missense variant is not expected to disrupt GMPPA protein function with a negative predictive value of 80%. In summary, the available evidence is currently insufficient to determine the role of this variant in disease. Therefore, it has been classified as a Variant of Uncertain Significance.

NM_013335.4(GMPPA):c.280G>T (p.Gly94Cys)

Genes: ASIC4-AS1 (ASIC4 antisense RNA 1; minus strand), GMPPA (GDP-mannose pyrophosphorylase A; plus strand). Cytogenetic location: 2q35.
Variant type: single nucleotide variant.
Coding change: c.280G>T on transcript NM_013335.4 (MANE Select); coding-DNA position 280, G replaced by T.
Protein change: p.Gly94Cys; replaces glycine 94 with cysteine.
Molecular consequence: missense variant.
Genome position (GRCh38, 1-based): chr2:219,501,888, G>T. VCF-style: chr2-219501888-G-T. GRCh37 (hg19) VCF-style: chr2-220366610-G-T.
Other names: c.280G>T, p.Gly94Cys (NM_001374294.1, NM_001374295.1, NM_205847.3); short protein forms G94C.
Identifiers: ClinVar variation 1488940 (VCV001488940.6), dbSNP rs753112469, ClinGen allele CA2128109.
Genomic context (GRCh38, chr2:219,501,888, plus strand): 5'-GGCTCTCGGGTCCCTGGGGACAGGTACCTGCAGGAATTTGCCCCCCTAGGCACAGGGGGT[G>T]GTCTTTACCATTTTCGAGACCAGATCCTGGCTGGGAGCCCCGAGGCATTCTTCGTGCTCA-3'
Protein context (NP_037467.2, residues 84-104): QEFAPLGTGG[Gly94Cys]LYHFRDQILA